The following is an entry in ClinVar:

ClinVar aggregate classification (germline): Uncertain significance (1 of 4 stars; one submission).

Conditions:
Cystic fibrosis (CF). Also called: MUCOVISCIDOSIS. Identifiers: Orphanet 586, MedGen C0010674, MONDO:0009061, OMIM 219700. Disease mechanism: loss of function.

Submission:

Ambry Genetics
Classification: Uncertain significance for Cystic fibrosis. Last evaluated: 2026-03-30. Review status: criteria provided, single submitter. Criteria: Ambry Variant Classification Scheme 2023. Collection method: clinical testing. Allele origin: germline.
Comment: The p.E7Q variant (also known as c.19G>C), located in coding exon 1 of the CFTR gene, results from a G to C substitution at nucleotide position 19. The glutamic acid at codon 7 is replaced by glutamine, an amino acid with highly similar properties. This amino acid position is highly conserved in available vertebrate species. In addition, this alteration is predicted to be tolerated by in silico analysis. Based on the available evidence, the clinical significance of this variant remains unclear.

NM_000492.4(CFTR):c.19G>C (p.Glu7Gln)

Gene: CFTR (CF transmembrane conductance regulator; plus strand). Cytogenetic location: 7q31.2.
Variant type: single nucleotide variant.
Coding change: c.19G>C on transcript NM_000492.4 (MANE Select); coding-DNA position 19, G replaced by C.
Protein change: p.Glu7Gln; replaces glutamic acid 7 with glutamine.
Molecular consequence: missense variant.
Genome position (GRCh38, 1-based): chr7:117,480,113, G>C. VCF-style: chr7-117480113-G-C. GRCh37 (hg19) VCF-style: chr7-117120167-G-C.
Other names: short protein forms E7Q.
Identifiers: ClinVar variation 4868804 (VCV004868804.1).
Genomic context (GRCh38, chr7:117,480,113, plus strand): 5'-AGCCCAGACGGCCCTAGCAGGGACCCCAGCGCCCGAGAGACCATGCAGAGGTCGCCTCTG[G>C]AAAAGGCCAGCGTTGTCTCCAAACTTTTTTTCAGGTGAGAAGGTGGCCAACCGAGCTTCG-3'
Protein context (NP_000483.3, residues 1-17): MQRSPL[Glu7Gln]KASVVSKLFF